The following is an entry in ClinVar:

NM_000843.4(GRM6):c.2456C>T (p.Thr819Met)

Genes: GRM6 (glutamate metabotropic receptor 6; minus strand), ZNF454 (zinc finger protein 454; plus strand). Cytogenetic location: 5q35.3.
Variant type: single nucleotide variant.
Coding change: c.2456C>T on transcript NM_000843.4 (MANE Select); coding-DNA position 2456, C replaced by T.
Protein change: p.Thr819Met; replaces threonine 819 with methionine.
Molecular consequence: missense variant.
Genome position (GRCh38, 1-based): chr5:178,981,835, G>A on the plus strand (C>T on the coding strand, the complement: GRM6 is on the minus strand). VCF-style: chr5-178981835-G-A. GRCh37 (hg19) VCF-style: chr5-178408836-G-A.
Other names: short protein forms T819M.
Identifiers: ClinVar variation 1036310 (VCV001036310.8), dbSNP rs755747636, ClinGen allele CA3593534.

ClinVar aggregate classification (germline): Uncertain significance (1 of 4 stars; one submission).

Allele frequency attached by ClinVar (database versions not stated): gnomAD 0.00001; gnomAD exomes 0.00001 and 0.00002; TOPMed 0.00001; ExAC 0.00004.
gnomAD v4.1: 14 of 1,611,626 alleles (0.00087%); highest among the groups gnomAD compares: African/African-American, 0.0027%; no homozygotes.

Submission:

Labcorp Genetics (formerly Invitae), Labcorp
Classification: Uncertain significance. Last evaluated: 2021-12-24. Review status: criteria provided, single submitter. Criteria: Invitae Variant Classification Sherloc (09022015). Collection method: clinical testing. Allele origin: germline.
Comment: In summary, the available evidence is currently insufficient to determine the role of this variant in disease. Therefore, it has been classified as a Variant of Uncertain Significance. Algorithms developed to predict the effect of missense changes on protein structure and function are either unavailable or do not agree on the potential impact of this missense change (SIFT: "Deleterious"; PolyPhen-2: "Possibly Damaging"; Align-GVGD: "Class C15"). ClinVar contains an entry for this variant (Variation ID: 1036310). This variant has not been reported in the literature in individuals affected with GRM6-related conditions. This variant is present in population databases (rs755747636, gnomAD 0.005%). This sequence change replaces threonine, which is neutral and polar, with methionine, which is neutral and non-polar, at codon 819 of the GRM6 protein (p.Thr819Met).